The following is an entry in ClinVar:

NM_001080414.4(CCDC88C):c.5086C>T (p.Leu1696=)

Gene: CCDC88C (coiled-coil and HOOK domain protein 88C; minus strand). Cytogenetic location: 14q32.11.
Variant type: single nucleotide variant.
Coding change: c.5086C>T on transcript NM_001080414.4 (MANE Select); coding-DNA position 5086, C replaced by T.
Protein change: p.Leu1696=; no amino-acid change (leucine 1696 retained).
Molecular consequence: synonymous variant.
Genome position (GRCh38, 1-based): chr14:91,273,626, G>A on the plus strand (C>T on the coding strand, the complement: CCDC88C is on the minus strand). VCF-style: chr14-91273626-G-A. GRCh37 (hg19) VCF-style: chr14-91739970-G-A.
Other names: c.5086C>T (NM_001080414.3).
Identifiers: ClinVar variation 2068723 (VCV002068723.6), dbSNP rs201393695, ClinGen allele CA7308737.
Genomic context (GRCh38, chr14:91,273,626, plus strand): 5'-GTGGTCCTGGTTGGCCTCCGATGGCTGGGGGATCGCTGGCCTTTCGGAAGTAGTCACTCA[G>A]CAGGTCATCCCGGCAACTGGGAGTGTCCTACGGAGAAGAGAGTGAAGGTTGGAGGTGGGC-3'
Protein context (NP_001073883.2, residues 1686-1706): HDTPSCRDDL[Leu1696=]SDYFRKASDP

ClinVar aggregate classification (germline): Likely benign. Review status: criteria provided, single submitter (1 of 4 stars). 2 submissions from 2 submitters: Likely benign (1). 1 of the submissions does not count toward it. Last evaluated 2026-01-26.

Conditions:
CCDC88C-related disorder. Also called: CCDC88C-related condition; CCDC88C-Related Disorders.

Allele frequency attached by ClinVar (database versions not stated): gnomAD exomes 0.00004; ExAC 0.00016; ESP Exome Variant Server 0.00032; gnomAD 0.00048; TOPMed 0.00051; 1000 Genomes Project 30x 0.00094; 1000 Genomes Project 0.00100.
gnomAD v4.1: 131 of 1,485,842 alleles (0.0088%); highest among the groups gnomAD compares: African/African-American, 0.14%; no homozygotes.

Submissions (2):

Labcorp Genetics (formerly Invitae), Labcorp
Classification: Likely benign. Last evaluated: 2026-01-26. Review status: criteria provided, single submitter. Criteria: Invitae Variant Classification Sherloc (09022015). Collection method: clinical testing. Allele origin: germline.

PreventionGenetics, part of Exact Sciences
Classification: Likely benign for CCDC88C-related condition. Last evaluated: 2019-03-11. Review status: no assertion criteria provided. Collection method: clinical testing. Allele origin: germline. Not counted in ClinVar's aggregate classification.
Comment: This variant is classified as likely benign based on ACMG/AMP sequence variant interpretation guidelines (Richards et al. 2015 PMID: 25741868, with internal and published modifications).